The following is an entry in ClinVar:

ClinVar aggregate classification (germline): Likely benign (1 of 4 stars; one submission).

gnomAD v4.1: 693 of 1,614,170 alleles (0.043%); highest among the groups gnomAD compares: Admixed American, 0.1%; no homozygotes.

Submission:

CeGaT Center for Human Genetics Tuebingen
Classification: Likely benign. Last evaluated: 2025-03-01. Review status: criteria provided, single submitter. Criteria: CeGaT Center For Human Genetics Tuebingen Variant Classification Criteria Version 2. Collection method: clinical testing. Allele origin: germline. Affected: yes. Observed: 1 variant allele.
Comment: LPCAT3: BP4, BP7

NM_005768.6(LPCAT3):c.1329G>C (p.Thr443=)

Genes: EMG1 (EMG1 N1-specific pseudouridine methyltransferase; plus strand), LPCAT3 (lysophosphatidylcholine acyltransferase 3; minus strand). Cytogenetic location: 12p13.31.
Variant type: single nucleotide variant.
Coding change: c.1329G>C on transcript NM_005768.6 (MANE Select); coding-DNA position 1329, G replaced by C.
Protein change: p.Thr443=; no amino-acid change (threonine 443 retained).
Molecular consequence: synonymous variant. On other transcripts: 3 prime UTR variant (2).
Genome position (GRCh38, 1-based): chr12:6,977,385, C>G on the plus strand (G>C on the coding strand, the complement: LPCAT3 is on the minus strand). VCF-style: chr12-6977385-C-G. GRCh37 (hg19) VCF-style: chr12-7086547-C-G.
Other names: c.*1576C>G (NM_001320049.2, NM_006331.8).
Identifiers: ClinVar variation 3777872 (VCV003777872.7).